The following is an entry in ClinVar:

NM_000038.6(APC):c.2218G>C (p.Ala740Pro)

Gene: APC (APC regulator of Wnt signaling pathway; plus strand). Cytogenetic location: 5q22.2.
Variant type: single nucleotide variant.
Coding change: c.2218G>C on transcript NM_000038.6 (MANE Select); coding-DNA position 2218, G replaced by C.
Protein change: p.Ala740Pro; replaces alanine 740 with proline.
Molecular consequence: missense variant.
Genome position (GRCh38, 1-based): chr5:112,837,812, G>C. VCF-style: chr5-112837812-G-C. GRCh37 (hg19) VCF-style: chr5-112173509-G-C.
Other names: c.2218G>C, p.Ala740Pro (NM_001127510.3, NM_001354895.2); c.2164G>C, p.Ala722Pro (NM_001127511.3); c.2272G>C, p.Ala758Pro (NM_001354896.2); c.2248G>C, p.Ala750Pro (NM_001354897.2); c.2143G>C, p.Ala715Pro (NM_001354898.2); c.2134G>C, p.Ala712Pro (NM_001354899.2); c.2095G>C, p.Ala699Pro (NM_001354900.2); c.2041G>C, p.Ala681Pro (NM_001354901.2); and 5 more; short protein forms A722P, A740P, A681P, A699P, A715P, A750P, A457P, A614P.
Identifiers: ClinVar variation 140956 (VCV000140956.26), dbSNP rs587781394, ClinGen allele CA007292.

ClinVar aggregate classification (germline): Conflicting classifications of pathogenicity. Review status: criteria provided, conflicting classifications (1 of 4 stars). 6 submissions from 6 submitters: Uncertain significance (5); Likely benign (1). Last evaluated 2026-01-28.

Conditions:
Classic or attenuated familial adenomatous polyposis. Identifiers: MedGen CN372698, MONDO:0021057.
Hereditary cancer-predisposing syndrome. Also called: Neoplastic Syndromes, Hereditary; Tumor predisposition; Hereditary Cancer Syndrome; Hereditary neoplastic syndrome. Identifiers: Orphanet 140162, MedGen C0027672, MeSH D009386, MONDO:0015356.
Familial adenomatous polyposis 1 (FAP1). Also called: FAMILIAL ADENOMATOUS POLYPOSIS 1, ATTENUATED; POLYPOSIS, ADENOMATOUS INTESTINAL. Identifiers: MedGen C2713442, MONDO:0021056, OMIM 175100. Disease mechanism: loss of function.

Allele frequency attached by ClinVar (database versions not stated): gnomAD 0.00001; ExAC 0.00002; TOPMed 0.00002.
gnomAD v4.1: 25 of 1,613,860 alleles (0.0015%); highest among the groups gnomAD compares: Non-Finnish European, 0.002%; no homozygotes.

Submissions (6):

Labcorp Genetics (formerly Invitae), Labcorp
Classification: Uncertain significance for Familial adenomatous polyposis 1. Last evaluated: 2026-01-28. Review status: criteria provided, single submitter. Criteria: Invitae Variant Classification Sherloc (09022015). Collection method: clinical testing. Allele origin: germline.
Comment: This sequence change replaces alanine, which is neutral and non-polar, with proline, which is neutral and non-polar, at codon 740 of the APC protein (p.Ala740Pro). This variant is present in population databases (rs587781394, gnomAD 0.004%). This variant has not been reported in the literature in individuals affected with APC-related conditions. ClinVar contains an entry for this variant (Variation ID: 140956). Invitae Evidence Modeling of protein sequence and biophysical properties (such as structural, functional, and spatial information, amino acid conservation, physicochemical variation, residue mobility, and thermodynamic stability) indicates that this missense variant is not expected to disrupt APC protein function with a negative predictive value of 95%. In summary, the available evidence is currently insufficient to determine the role of this variant in disease. Therefore, it has been classified as a Variant of Uncertain Significance.

Color Diagnostics, LLC DBA Color Health
Classification: Likely benign for Hereditary cancer-predisposing syndrome. Last evaluated: 2025-09-11. Review status: criteria provided, single submitter. Criteria: ACMG Guidelines, 2015. Collection method: clinical testing. Allele origin: germline.

Ambry Genetics
Classification: Uncertain significance for Hereditary cancer-predisposing syndrome. Last evaluated: 2024-04-04. Review status: criteria provided, single submitter. Criteria: Ambry Variant Classification Scheme 2023. Collection method: clinical testing. Allele origin: germline.
Comment: The p.A740P variant (also known as c.2218G>C), located in coding exon 15 of the APC gene, results from a G to C substitution at nucleotide position 2218. The alanine at codon 740 is replaced by proline, an amino acid with highly similar properties. This alteration was identified in a cohort of triple-negative breast cancer patients undergoing multigene panel testing; the same patient also had the APC p.Ser2260Asn (c.6779G>A) alteration (Lovejoy LA et al. Austin J Cancer Clin Res. 2018 Jun;5(1)). This amino acid position is highly conserved in available vertebrate species. In addition, in silico predictors for this gene do not accurately predict pathogenicity. Since supporting evidence is limited at this time, the clinical significance of this alteration remains unclear.

Baylor Genetics
Classification: Uncertain significance for Familial adenomatous polyposis 1. Last evaluated: 2024-03-08. Review status: criteria provided, single submitter. Criteria: ACMG Guidelines, 2015. Collection method: clinical testing. Allele origin: unknown.

All of Us Research Program, National Institutes of Health
Classification: Uncertain significance for Classic or attenuated familial adenomatous polyposis. Last evaluated: 2023-11-30. Review status: criteria provided, single submitter. Criteria: ACMG Guidelines, 2015. Collection method: clinical testing. Allele origin: germline. Inheritance: Autosomal dominant inheritance. Observed: 4 variant alleles, 4 heterozygotes.
Comment: This missense variant replaces alanine with proline at codon 740 of the APC protein. Computational prediction suggests that this variant may not impact protein structure and function (internally defined REVEL score threshold <= 0.5, PMID: 27666373). To our knowledge, functional studies have not been reported for this variant. This variant has not been reported in individuals affected with APC-related disorders in the literature. This variant has been identified in 3/281424 chromosomes in the general population by the Genome Aggregation Database (gnomAD). The available evidence is insufficient to determine the role of this variant in disease conclusively. Therefore, this variant is classified as a Variant of Uncertain Significance.

This study involves interpretation of variants in research participants for the purpose of population health screening. Participant phenotype was not available at the time of variant classification. Additional details can be found in publication PMID: 35346344, PMCID: PMC8962531

GeneDx
Classification: Uncertain significance. Last evaluated: 2023-11-14. Review status: criteria provided, single submitter. Criteria: GeneDx Variant Classification Process June 2021. Collection method: clinical testing. Allele origin: germline. Affected: yes.
Comment: Not observed at significant frequency in large population cohorts (gnomAD); In silico analysis supports that this missense variant has a deleterious effect on protein structure/function; Observed with another APC variant (p.S2260N) in an individual with personal and family history of breast cancer; however, it is unknown whether the two APC variants were on the same (in cis) or opposite (in trans) allele (Lovejoy LA et al., (2018) Austin J Cancer Clin Res. 5 (1):1082a); This variant is associated with the following publications: (PMID: 31395942, 18199528, Lovejoy2018)